The following is an entry in ClinVar:

NM_000404.4(GLB1):c.380G>A (p.Cys127Tyr)

Gene: GLB1 (galactosidase beta 1; minus strand). Cytogenetic location: 3p22.3.
Variant type: single nucleotide variant.
Coding change: c.380G>A on transcript NM_000404.4 (MANE Select); coding-DNA position 380, G replaced by A.
Protein change: p.Cys127Tyr; replaces cysteine 127 with tyrosine.
Molecular consequence: missense variant. On other transcripts: intron variant (1).
Genome position (GRCh38, 1-based): chr3:33,068,836, C>T on the plus strand (G>A on the coding strand, the complement: GLB1 is on the minus strand). VCF-style: chr3-33068836-C-T. GRCh37 (hg19) VCF-style: chr3-33110328-C-T.
Other names: c.290G>A, p.Cys97Tyr (NM_001079811.3); c.524G>A, p.Cys175Tyr (NM_001317040.2); c.380G>A, p.Cys127Tyr (NM_001393580.1); c.246-3279G>A (NM_001135602.3); short protein forms C175Y, C127Y, C97Y.
Identifiers: ClinVar variation 918041 (VCV000918041.3), dbSNP rs1699791081, ClinGen allele CA351994545.

ClinVar aggregate classification (germline): Likely pathogenic (1 of 4 stars; one submission).

Conditions:
Mucopolysaccharidosis, MPS-IV-B (MPS4B). Also called: Mucopolysaccharidosis type IV B; Mucopolysaccharidosis Type IVB (Morquio B Disease); MORQUIO SYNDROME B; Mucopolysaccharidosis type 4B; Mucopolysaccharidosis Type IVB; Mucopolysaccharidosis type IVB (Morquio). Identifiers: Orphanet 309310, Orphanet 582, MedGen C0086652, MONDO:0009660, OMIM 253010.
GM1 gangliosidosis. Identifiers: Orphanet 354, MedGen C0085131, MONDO:0018149.

Submission:

Women's Health and Genetics/Laboratory Corporation of America, LabCorp
Classification: Likely pathogenic for Mucopolysaccharidosis, MPS-IV-B. Last evaluated: 2024-12-04. Review status: criteria provided, single submitter. Criteria: LabCorp Variant Classification Summary - May 2015. Collection method: clinical testing. Allele origin: germline.
Comment: Variant summary: GLB1 c.380G>A (p.Cys127Tyr) results in a non-conservative amino acid change located in the Glycosyl hydrolases family 35 (IPR031330) of the encoded protein sequence. Five of five in-silico tools predict a damaging effect of the variant on protein function. The variant was absent in 249502 control chromosomes. c.380G>A has been reported in the literature in homozygous or compound heterozygous individuals affected with Mucopolysaccharidosis Type IVB (Morquio Syndrome B) (Hofer_2010, Kwak_2015). These data indicate that the variant may be associated with disease. At least one publication reports experimental evidence evaluating an impact on protein function. The most pronounced variant effect results in absent beta-galactosidase activity in transfected COS-1 cells (Hofer_2010). The following publications have been ascertained in the context of this evaluation (PMID: 20175788, 25600812, 39303319). ClinVar contains an entry for this variant (Variation ID: 918041). Based on the evidence outlined above, the variant was classified as likely pathogenic.

Literature cited by the submitters: PubMed 20175788 (cited by Women's Health and Genetics/Laboratory Corporation of America, LabCorp); PubMed 25600812 (cited by Women's Health and Genetics/Laboratory Corporation of America, LabCorp); PubMed 39303319 (cited by Women's Health and Genetics/Laboratory Corporation of America, LabCorp).